The following is an entry in ClinVar:

ClinVar aggregate classification (germline): Benign (1 of 4 stars; one submission).

Submission:

ISCA site 4
Classification: Benign. Last evaluated: 2011-08-12. Review status: criteria provided, single submitter. Criteria: Kaminsky et al. (Genet Med. 2011). Collection method: clinical testing. Allele origin: unknown. Affected: yes. Observed: 1 variant allele.
Comment: Copy number variation identified through the course of routine clinical cytogenomic testing in postnatal populations. Clinical assertions have been curated as described in Kaminsky et al. 2011.

GRCh38/hg38 14q32.33(chr14:105987551-106259807)x1

Genes: IGH (immunoglobulin heavy locus; minus strand), IGHV1-18 (immunoglobulin heavy variable 1-18; minus strand), IGHV1-3 (immunoglobulin heavy variable 1-3; minus strand), IGHV2-5 (immunoglobulin heavy variable 2-5; minus strand), IGHV3-11 (immunoglobulin heavy variable 3-11; minus strand) and 12 more. Cytogenetic location: 14q32.33.
Variant type: copy number loss.
Change: copy number 1 (one copy instead of two) of chr14:105,987,551-106,259,807 (272.3 kb, GRCh38 coordinates, 1-based), cytogenetic band 14q32.33.
Identifiers: ClinVar variation 57477 (VCV000057477.1).